The following is an entry in ClinVar:

ClinVar aggregate classification (germline): Uncertain significance. Review status: criteria provided, multiple submitters, no conflicts (2 of 4 stars). 2 submissions from 2 submitters: Uncertain significance (2). Last evaluated 2022-10-13.

Conditions:
Propionic acidemia (PROP). Also called: GLYCINEMIA, KETOTIC; HYPERGLYCINEMIA WITH KETOACIDOSIS AND LEUKOPENIA; KETOTIC HYPERGLYCINEMIA. Identifiers: Orphanet 35, MedGen C0268579, MONDO:0011628, OMIM 606054, HP:0003571.
Inborn genetic diseases. Identifiers: MedGen C0950123, MeSH D030342.

Allele frequency attached by ClinVar (database versions not stated): gnomAD 0.00001; gnomAD exomes 0.00001; TOPMed 0.00002.
gnomAD v4.1: 11 of 1,612,882 alleles (0.00068%); highest among the groups gnomAD compares: Non-Finnish European, 0.00093%; no homozygotes.

Submissions (2):

Labcorp Genetics (formerly Invitae), Labcorp
Classification: Uncertain significance for Propionic acidemia. Last evaluated: 2022-10-13. Review status: criteria provided, single submitter. Criteria: Invitae Variant Classification Sherloc (09022015). Collection method: clinical testing. Allele origin: germline.
Comment: This sequence change replaces aspartic acid, which is acidic and polar, with tyrosine, which is neutral and polar, at codon 318 of the PCCB protein (p.Asp318Tyr). This variant is present in population databases (no rsID available, gnomAD 0.0009%). This variant has not been reported in the literature in individuals affected with PCCB-related conditions. Algorithms developed to predict the effect of missense changes on protein structure and function (SIFT, PolyPhen-2, Align-GVGD) all suggest that this variant is likely to be disruptive. Algorithms developed to predict the effect of sequence changes on RNA splicing suggest that this variant may disrupt the consensus splice site. In summary, the available evidence is currently insufficient to determine the role of this variant in disease. Therefore, it has been classified as a Variant of Uncertain Significance.

Ambry Genetics
Classification: Uncertain significance for Inborn genetic diseases. Last evaluated: 2021-10-26. Review status: criteria provided, single submitter. Criteria: Ambry Variant Classification Scheme 2023. Collection method: clinical testing. Allele origin: germline.

NM_000532.5(PCCB):c.952G>T (p.Asp318Tyr)

Gene: PCCB (propionyl-CoA carboxylase subunit beta; plus strand). Cytogenetic location: 3q22.3.
Variant type: single nucleotide variant.
Coding change: c.952G>T on transcript NM_000532.5 (MANE Select); coding-DNA position 952, G replaced by T.
Protein change: p.Asp318Tyr; replaces aspartic acid 318 with tyrosine.
Molecular consequence: missense variant.
Genome position (GRCh38, 1-based): chr3:136,301,097, G>T. VCF-style: chr3-136301097-G-T. GRCh37 (hg19) VCF-style: chr3-136019939-G-T.
Other names: c.1012G>T, p.Asp338Tyr (NM_001178014.2); short protein forms D338Y, D318Y.
Identifiers: ClinVar variation 1991160 (VCV001991160.2), dbSNP rs1002048145, ClinGen allele CA83800590.